The following is an entry in ClinVar:

ClinVar aggregate classification (germline): Benign (1 of 4 stars; one submission).

Allele frequency attached by ClinVar (database versions not stated): 1000 Genomes Project 30x 0.00422; gnomAD 0.00413; gnomAD exomes 0.00071; 1000 Genomes Project 0.00419; TOPMed 0.00445.
gnomAD v4.1: 618 of 153,024 alleles (0.4%); highest among the groups gnomAD compares: African/African-American, 1.5%; 4 homozygotes.

Submission:

CeGaT Center for Human Genetics Tuebingen
Classification: Benign. Last evaluated: 2023-05-01. Review status: criteria provided, single submitter. Criteria: CeGaT Center For Human Genetics Tuebingen Variant Classification Criteria Version 2. Collection method: clinical testing. Allele origin: germline. Affected: yes. Observed: 3 variant alleles.
Comment: GRIN2B: BS1, BS2

NM_001413992.1(GRIN2B):c.-684A>G

Gene: GRIN2B (glutamate ionotropic receptor NMDA type subunit 2B; minus strand). Cytogenetic location: 12p13.1.
Variant type: single nucleotide variant.
Coding change: c.-684A>G on transcript NM_001413992.1; 684 bases upstream of the start codon, A replaced by G.
Molecular consequence: 5 prime UTR variant.
Genome position (GRCh38, 1-based): chr12:13,981,917, T>C on the plus strand (A>G on the coding strand, the complement: GRIN2B is on the minus strand). VCF-style: chr12-13981917-T-C. GRCh37 (hg19) VCF-style: chr12-14134851-T-C.
Other names: c.-255A>G (NM_001413993.1).
Identifiers: ClinVar variation 2570820 (VCV002570820.24), dbSNP rs10400446, ClinGen allele CA233161364.
Genomic context (GRCh38, chr12:13,981,917, plus strand): 5'-GGGTCTCACACTCAAAAACGTGCCGCGCACACACACACAGACACACACACACCCCCTACC[T>C]CGCACACCCTGACTCCGGGGGGAGGAGAAACCCACGAAGCTGGGGAAGATACTGCTTCTG-3'